The following is an entry in ClinVar:

ClinVar aggregate classification (germline): Uncertain significance (1 of 4 stars; one submission).

Conditions:
PLXNA1-related disorder. Also called: PLXNA1-related condition.

Submission:

PreventionGenetics, part of Exact Sciences
Classification: Uncertain significance for PLXNA1-related condition. Last evaluated: 2026-06-02. Review status: criteria provided, single submitter. Criteria: ACMG Guidelines, 2015. Collection method: clinical testing. Allele origin: germline.
Comment: The PLXNA1 c.1084C>G variant is predicted to result in the amino acid substitution p.Leu362Val. To our knowledge, this variant has not been reported in the literature or in a large population database (gnomAD), indicating this variant is rare. At this time, the clinical significance of this variant is uncertain due to the absence of conclusive functional and genetic evidence.

NM_032242.4(PLXNA1):c.1084C>G (p.Leu362Val)

Gene: PLXNA1 (plexin A1; plus strand). Cytogenetic location: 3q21.3.
Variant type: single nucleotide variant.
Coding change: c.1084C>G on transcript NM_032242.4 (MANE Select); coding-DNA position 1084, C replaced by G.
Protein change: p.Leu362Val; replaces leucine 362 with valine.
Molecular consequence: missense variant.
Genome position (GRCh38, 1-based): chr3:126,989,677, C>G. VCF-style: chr3-126989677-C-G. GRCh37 (hg19) VCF-style: chr3-126708520-C-G.
Other names: short protein forms L362V.
Identifiers: ClinVar variation 4994196 (VCV004994196.1).